The following is an entry in ClinVar:

ClinVar aggregate classification (germline): Uncertain significance (1 of 4 stars; one submission).

Conditions:
Cardiovascular phenotype. Identifiers: MedGen CN230736.

Submission:

Ambry Genetics
Classification: Uncertain significance for Cardiovascular phenotype. Last evaluated: 2025-03-31. Review status: criteria provided, single submitter. Criteria: Ambry Variant Classification Scheme 2023. Collection method: clinical testing. Allele origin: germline.
Comment: The p.P551T variant (also known as c.1651C>A), located in coding exon 4 of the JPH2 gene, results from a C to A substitution at nucleotide position 1651. The proline at codon 551 is replaced by threonine, an amino acid with highly similar properties. This amino acid position is conserved. In addition, this alteration is predicted to be tolerated by in silico analysis. Based on the available evidence, the clinical significance of this variant remains unclear.

NM_020433.5(JPH2):c.1651C>A (p.Pro551Thr)

Gene: JPH2 (junctophilin 2; minus strand). Cytogenetic location: 20q13.12.
Variant type: single nucleotide variant.
Coding change: c.1651C>A on transcript NM_020433.5 (MANE Select); coding-DNA position 1651, C replaced by A.
Protein change: p.Pro551Thr; replaces proline 551 with threonine.
Molecular consequence: missense variant.
Genome position (GRCh38, 1-based): chr20:44,116,024, G>T on the plus strand (C>A on the coding strand, the complement: JPH2 is on the minus strand). VCF-style: chr20-44116024-G-T. GRCh37 (hg19) VCF-style: chr20-42744664-G-T.
Other names: short protein forms P551T.
Identifiers: ClinVar variation 4040893 (VCV004040893.1).
Genomic context (GRCh38, chr20:44,116,024, plus strand): 5'-CAGCATAGCTGTGGTAGCCCTGGTAAAGCGCCACCTCCGGCTCCCGCGACGGCGCAGGCG[G>T]TGCCTGCAGAGCCTCGATGGCCATGCGCTCGGTGGCTGGACGCGCGGGGCTGCGGCGGCC-3'
Protein context (NP_065166.2, residues 541-561): ERMAIEALQA[Pro551Thr]PAPSREPEVA